The following is an entry in ClinVar:

ClinVar aggregate classification (germline): Uncertain significance (1 of 4 stars; one submission).

Conditions:
Heterotopia, periventricular, X-linked dominant (PVNH1). Also called: PERIVENTRICULAR NODULAR HETEROTOPIA 1; X-linked periventricular heterotopia; PERIVENTRICULAR NODULAR HETEROTOPIA 4; HETEROTOPIA, PERIVENTRICULAR, 1. Identifiers: Orphanet 2149, Orphanet 82004, MedGen C1848213, MONDO:0010233, OMIM 300049.

Submission:

Victorian Clinical Genetics Services, Murdoch Childrens Research Institute
Classification: Uncertain significance for Heterotopia, periventricular, X-linked dominant. Last evaluated: 2024-10-08. Review status: criteria provided, single submitter. Criteria: ACMG Guidelines, 2015. Collection method: clinical testing. Allele origin: germline. Inheritance: X-linked dominant inheritance. Affected: yes.
Comment: Based on the classification scheme VCGS_Germline_v1.3.4, this variant is classified as VUS-3A. Following criteria are met: 0103 - Loss of function and gain of function are known mechanisms of disease in this gene. Loss of function variants are reported to cause periventricular nodular heterotopia, X-linked cardiac valvular dystrophy and gastrointestinal diseases, whereas gain of function missense variants and small in-frame deletions lead to the Oto-palato-digital spectrum of disease. X-linked cardiac valvular dystrophy is caused by mostly missense or splice variants in filamin repeats 1, 4, 5, 6 and 7 (PMID:30089473). (I) 0108 - This gene is associated with both X-linked recessive and dominant disease (OMIM). (I) 0200 - Variant is predicted to result in a missense amino acid change from valine to leucine. (I) 0251 - This variant is heterozygous. (I) 0301 - Variant is absent from gnomAD (both v2 and v3). (SP) 0309 - An alternative amino acid change at the same position has been observed in gnomAD (v3) (1 heterozygote, 0 homozygotes, 0 hemizygotes). (I) 0504 - Same amino acid change has been observed in placental mammals. (SB) 0600 - Variant is located in the annotated filamin/ABP280 repeat domain (DECIPHER). (I) 0705 - No comparable missense variants have previous evidence for pathogenicity. (I) 0807 - This variant has no previous evidence of pathogenicity. (I) 0905 - No published segregation evidence has been identified for this variant. (I) 1007 - No published functional evidence has been identified for this variant. (SP) Legend: (SP) - Supporting pathogenic, (I) - Information, (SB) - Supporting benign

Literature cited by the submitters: PubMed 30089473.

NM_001110556.2(FLNA):c.7825G>T (p.Val2609Leu)

Genes: FLNA (filamin A; minus strand), LOC107988032 (Xq28 proximal FLNA-EMD recombination region; plus strand). Cytogenetic location: Xq28.
Variant type: single nucleotide variant.
Coding change: c.7825G>T on transcript NM_001110556.2 (MANE Select); coding-DNA position 7825, G replaced by T.
Protein change: p.Val2609Leu; replaces valine 2609 with leucine.
Molecular consequence: missense variant.
Genome position (GRCh38, 1-based): chrX:154,348,968, C>A on the plus strand (G>T on the coding strand, the complement: FLNA is on the minus strand). VCF-style: chrX-154348968-C-A. GRCh37 (hg19) VCF-style: chrX-153577336-C-A.
Other names: c.7801G>T, p.Val2601Leu (NM_001456.4); short protein forms V2601L, V2609L.
Identifiers: ClinVar variation 3377353 (VCV003377353.1).